The following is an entry in ClinVar:

NM_177438.3(DICER1):c.574-2_574del

Gene: DICER1 (dicer 1, ribonuclease III; minus strand). Cytogenetic location: 14q32.13.
Variant type: Deletion.
Coding change: c.574-2_574del on transcript NM_177438.3 (MANE Select); the canonical splice acceptor site of the intron before coding-DNA position 574 through coding-DNA position 574, 3 bases deleted (AGC; older notation c.574-2_574delAGC).
Molecular consequence: splice acceptor variant.
Genome position (GRCh38, 1-based): chr14:95,129,632-95,129,634, GCT deleted on the plus strand (AGC on the coding strand, the reverse complement: DICER1 is on the minus strand). VCF-style (leftmost placement, unchanged base first): chr14-95129631-AGCT-A. GRCh37 (hg19) VCF-style: chr14-95595968-AGCT-A.
Other names: c.574-2_574del (NM_001291628.2, NM_030621.4, NM_001395677.1 and 14 more transcripts); c.169-2_169del (NM_001395690.1, NM_001395687.1, NM_001395689.1 and 3 more transcripts); c.292-2_292del (NM_001395686.1); c.7-2_7del (NM_001395691.1); c.-995-2_-995del (NM_001395697.1).
Identifiers: ClinVar variation 3657262 (VCV003657262.2).
Genomic context (GRCh38, chr14:95,129,631, plus strand): 5'-CCATTTAAAATGGAAGCAGTTAGTCCCAAAATGCGAGGACATGATGGACAATTTTCACAG[AGCT>A]AACATAATAAAAGATACTGACAGTAAAGACTTCATTTTGCAAGGCTATAACAAGAGAGAC-3'

ClinVar aggregate classification (germline): Likely pathogenic (1 of 4 stars; one submission).

Conditions:
DICER1-related tumor predisposition. Also called: DICER1-related pleuropulmonary blastoma cancer predisposition syndrome; DICER1 syndrome. Identifiers: Orphanet 284343, MedGen C3839822, MONDO:0100216.

Submission:

Labcorp Genetics (formerly Invitae), Labcorp
Classification: Likely pathogenic for DICER1-related tumor predisposition. Last evaluated: 2024-06-21. Review status: criteria provided, single submitter. Criteria: Invitae Variant Classification Sherloc (09022015). Collection method: clinical testing. Allele origin: germline.
Comment: This variant results in the deletion of part of exon 6 (c.574-2_574del) of the DICER1 gene. It is expected to disrupt RNA splicing. Variants that disrupt the donor or acceptor splice site typically lead to a loss of protein function (PMID: 16199547), and loss-of-function variants in DICER1 are known to be pathogenic (PMID: 19556464, 21266384). This variant is not present in population databases (gnomAD no frequency). This variant has not been reported in the literature in individuals affected with DICER1-related conditions. Algorithms developed to predict the effect of sequence changes on RNA splicing suggest that this variant may disrupt the consensus splice site. In summary, the currently available evidence indicates that the variant is pathogenic, but additional data are needed to prove that conclusively. Therefore, this variant has been classified as Likely Pathogenic.

Literature cited by the submitters: PubMed 16199547; PubMed 19556464; PubMed 21266384.